The following is an entry in ClinVar:

NM_001135022.2(ELMOD3):c.1010G>T (p.Arg337Met)

Gene: ELMOD3 (ELMO domain containing 3; plus strand). Cytogenetic location: 2p11.2.
Variant type: single nucleotide variant.
Coding change: c.1010G>T on transcript NM_001135022.2 (MANE Select); coding-DNA position 1010, G replaced by T.
Protein change: p.Arg337Met; replaces arginine 337 with methionine.
Molecular consequence: missense variant. On other transcripts: non-coding transcript variant (3).
Genome position (GRCh38, 1-based): chr2:85,390,826, G>T. VCF-style: chr2-85390826-G-T. GRCh37 (hg19) VCF-style: chr2-85617949-G-T.
Other names: c.1010G>T, p.Arg337Met (NM_001135021.2, NM_001135023.2, NM_001329791.2 and 2 more transcripts); short protein forms R337M.
Identifiers: ClinVar variation 1381858 (VCV001381858.8), dbSNP rs748617515, ClinGen allele CA1740602.

ClinVar aggregate classification (germline): Uncertain significance (1 of 4 stars; one submission).

Allele frequency attached by ClinVar (database versions not stated): ExAC 0.00005; gnomAD exomes 0.00010 and 0.00024.
gnomAD v4.1: 347 of 1,551,530 alleles (0.022%); highest among the groups gnomAD compares: Non-Finnish European, 0.029%; no homozygotes.

Submission:

Labcorp Genetics (formerly Invitae), Labcorp
Classification: Uncertain significance. Last evaluated: 2023-09-18. Review status: criteria provided, single submitter. Criteria: Invitae Variant Classification Sherloc (09022015). Collection method: clinical testing. Allele origin: germline.
Comment: In summary, the available evidence is currently insufficient to determine the role of this variant in disease. Therefore, it has been classified as a Variant of Uncertain Significance. Advanced modeling of protein sequence and biophysical properties (such as structural, functional, and spatial information, amino acid conservation, physicochemical variation, residue mobility, and thermodynamic stability) performed at Invitae indicates that this missense variant is not expected to disrupt ELMOD3 protein function. ClinVar contains an entry for this variant (Variation ID: 1381858). This variant has not been reported in the literature in individuals affected with ELMOD3-related conditions. This variant is present in population databases (rs748617515, gnomAD 0.02%). This sequence change replaces arginine, which is basic and polar, with methionine, which is neutral and non-polar, at codon 337 of the ELMOD3 protein (p.Arg337Met).